The following is an entry in ClinVar:

NM_000492.4(CFTR):c.3140-16T>A

Genes: CFTR (CF transmembrane conductance regulator; plus strand), CFTR-AS2 (CFTR antisense RNA 2; minus strand), LOC111674472 (DNase I hypersensitive sites in introns 16 and 17a of CFTR; plus strand). Cytogenetic location: 7q31.2.
Variant type: single nucleotide variant.
Coding change: c.3140-16T>A on transcript NM_000492.4 (MANE Select); 16 bases into the intron before coding-DNA position 3140, T replaced by A.
Molecular consequence: intron variant.
Genome position (GRCh38, 1-based): chr7:117,611,565, T>A. VCF-style: chr7-117611565-T-A. GRCh37 (hg19) VCF-style: chr7-117251619-T-A.
Identifiers: ClinVar variation 1706001 (VCV001706001.7), dbSNP rs767232138, ClinGen allele CA4451401.

ClinVar aggregate classification (germline): Pathogenic. Review status: criteria provided, multiple submitters, no conflicts (2 of 4 stars). 3 submissions from 3 submitters: Pathogenic (3). Last evaluated 2024-01-21.

Conditions:
Bronchiectasis with or without elevated sweat chloride 1 (BESC1). Also called: Cystic Fibrosis-Like Syndrome. Identifiers: Orphanet 60033, MedGen C2749757, MONDO:0008887, OMIM 211400.
Cystic fibrosis (CF). Also called: MUCOVISCIDOSIS. Identifiers: Orphanet 586, MedGen C0010674, MONDO:0009061, OMIM 219700. Disease mechanism: loss of function.

Allele frequency attached by ClinVar (database versions not stated): ExAC 0.00002.
gnomAD v4.1: 3 of 1,442,832 alleles (0.00021%); highest among the groups gnomAD compares: South Asian, 0.0023%; no homozygotes.

Submissions (3):

Baylor Genetics
Classification: Pathogenic for Bronchiectasis with or without elevated sweat chloride 1. Last evaluated: 2024-01-21. Review status: criteria provided, single submitter. Criteria: ACMG Guidelines, 2015. Collection method: clinical testing. Allele origin: unknown.

Labcorp Genetics (formerly Invitae), Labcorp
Classification: Pathogenic for Cystic fibrosis. Last evaluated: 2022-10-03. Review status: criteria provided, single submitter. Criteria: Invitae Variant Classification Sherloc (09022015). Collection method: clinical testing. Allele origin: germline.
Comment: Studies have shown that this variant alters mRNA splicing and is expected to lead to the loss of protein expression (PMID: 34071719). For these reasons, this variant has been classified as Pathogenic. This variant has been observed in individuals with cystic fibrosis (PMID: 34071719). This sequence change falls in intron 19 of the CFTR gene. It does not directly change the encoded amino acid sequence of the CFTR protein. RNA analysis indicates that this variant induces altered splicing and may result in an absent or disrupted protein product. This variant is present in population databases (rs767232138, gnomAD 0.007%).

Institute of Human Genetics, University of Leipzig Medical Center
Classification: Pathogenic for Cystic fibrosis. Last evaluated: 2022-09-05. Review status: criteria provided, single submitter. Criteria: ACMG Guidelines, 2015. Collection method: curation. Allele origin: unknown. Affected: yes. Observed: 1 variant allele.
Comment: The variant was classified in the context of a project re-classifying variants in the German Cystic Fibrosis Registry (Muko.e.V.). Criteria applied: PS3, PM2_SUP, PM3_STR, PP3, PP4

Literature cited by the submitters: PubMed 34071719 (cited by Labcorp Genetics (formerly Invitae), Labcorp).